The following is an entry in ClinVar:

ClinVar aggregate classification (germline): Uncertain significance. Review status: criteria provided, multiple submitters, no conflicts (2 of 4 stars). 2 submissions from 2 submitters: Uncertain significance (2). Last evaluated 2025-06-17.

Conditions:
Cardiovascular phenotype. Identifiers: MedGen CN230736.
CACNB2-related disorder. Also called: CACNB2-related condition.

gnomAD v4.1: 33 of 1,604,210 alleles (0.0021%); highest among the groups gnomAD compares: Non-Finnish European, 0.0025%; no homozygotes.

Submissions (2):

PreventionGenetics, part of Exact Sciences
Classification: Uncertain significance for CACNB2-related condition. Last evaluated: 2025-06-17. Review status: criteria provided, single submitter. Criteria: ACMG Guidelines, 2015. Collection method: clinical testing. Allele origin: germline.
Comment: The CACNB2 c.85G>A variant is predicted to result in the amino acid substitution p.Val29Met. To our knowledge, this variant has not been reported in the literature. This variant is reported in 0.0030% of alleles in individuals of European (Non-Finnish) descent in gnomAD. At this time, the clinical significance of this variant is uncertain due to the absence of conclusive functional and genetic evidence.

Ambry Genetics
Classification: Uncertain significance for Cardiovascular phenotype. Last evaluated: 2025-05-11. Review status: criteria provided, single submitter. Criteria: Ambry Variant Classification Scheme 2023. Collection method: clinical testing. Allele origin: germline.

NM_201596.3(CACNB2):c.85G>A (p.Val29Met)

Gene: CACNB2 (calcium voltage-gated channel auxiliary subunit beta 2; plus strand). Cytogenetic location: 10p12.33.
Variant type: single nucleotide variant.
Coding change: c.85G>A on transcript NM_201596.3 (MANE Select); coding-DNA position 85, G replaced by A.
Protein change: p.Val29Met; replaces valine 29 with methionine.
Molecular consequence: missense variant. On other transcripts: 5 prime UTR variant (3).
Genome position (GRCh38, 1-based): chr10:18,140,821, G>A. VCF-style: chr10-18140821-G-A. GRCh37 (hg19) VCF-style: chr10-18429750-G-A.
Other names: c.-359G>A (NM_001167945.2, NM_201571.4, NM_201572.4); c.85G>A, p.Val29Met (NM_201593.3, NM_201597.3); short protein forms V29M.
Identifiers: ClinVar variation 3994610 (VCV003994610.2).